The following is an entry in ClinVar:

NM_001242896.3(DEPDC5):c.1160C>T (p.Ala387Val)

Gene: DEPDC5 (DEP domain containing 5, GATOR1 subcomplex subunit; plus strand). Cytogenetic location: 22q12.3.
Variant type: single nucleotide variant.
Coding change: c.1160C>T on transcript NM_001242896.3 (MANE Select); coding-DNA position 1160, C replaced by T.
Protein change: p.Ala387Val; replaces alanine 387 with valine.
Molecular consequence: missense variant. On other transcripts: non-coding transcript variant (5).
Genome position (GRCh38, 1-based): chr22:31,804,858, C>T. VCF-style: chr22-31804858-C-T. GRCh37 (hg19) VCF-style: chr22-32200844-C-T.
Other names: c.1160C>T, p.Ala387Val (NM_001007188.4, NM_001136029.4, NM_001242897.2 and 7 more transcripts); c.1076C>T, p.Ala359Val (NM_001369901.1, NM_001369902.1); short protein forms A387V, A359V.
Identifiers: ClinVar variation 942282 (VCV000942282.9), dbSNP rs1054663967, ClinGen allele CA323356091.

ClinVar aggregate classification (germline): Uncertain significance. Review status: criteria provided, multiple submitters, no conflicts (2 of 4 stars). 2 submissions from 2 submitters: Uncertain significance (2). Last evaluated 2023-08-02.

Conditions:
Familial focal epilepsy with variable foci (FPEVF). Identifiers: Orphanet 98820, MedGen C1858477, MONDO:0020310.

Allele frequency attached by ClinVar (database versions not stated): gnomAD exomes below 0.00001.
gnomAD v4.1: 4 of 1,613,978 alleles (0.00025%); highest among the groups gnomAD compares: East Asian, 0.0022%; no homozygotes.

Submissions (2):

Labcorp Genetics (formerly Invitae), Labcorp
Classification: Uncertain significance for Familial focal epilepsy with variable foci. Last evaluated: 2023-08-02. Review status: criteria provided, single submitter. Criteria: Invitae Variant Classification Sherloc (09022015). Collection method: clinical testing. Allele origin: germline.
Comment: In summary, the available evidence is currently insufficient to determine the role of this variant in disease. Therefore, it has been classified as a Variant of Uncertain Significance. Algorithms developed to predict the effect of missense changes on protein structure and function output the following: SIFT: "Not Available"; PolyPhen-2: "Not Available"; Align-GVGD: "Not Available". The valine amino acid residue is found in multiple mammalian species, which suggests that this missense change does not adversely affect protein function. ClinVar contains an entry for this variant (Variation ID: 942282). This variant has not been reported in the literature in individuals affected with DEPDC5-related conditions. This variant is present in population databases (no rsID available, gnomAD 0.003%). This sequence change replaces alanine, which is neutral and non-polar, with valine, which is neutral and non-polar, at codon 387 of the DEPDC5 protein (p.Ala387Val).

GeneDx
Classification: Uncertain significance. Last evaluated: 2022-07-21. Review status: criteria provided, single submitter. Criteria: GeneDx Variant Classification Process June 2021. Collection method: clinical testing. Allele origin: germline. Affected: yes.
Comment: Not observed at significant frequency in large population cohorts (gnomAD); In silico analysis supports that this missense variant does not alter protein structure/function; Has not been previously published as pathogenic or benign to our knowledge